The following is an entry in ClinVar:

NM_170601.5(SIAE):c.185G>A (p.Arg62His)

Gene: SIAE (sialic acid acetylesterase; minus strand). Cytogenetic location: 11q24.2.
Variant type: single nucleotide variant.
Coding change: c.185G>A on transcript NM_170601.5 (MANE Select); coding-DNA position 185, G replaced by A.
Protein change: p.Arg62His; replaces arginine 62 with histidine.
Molecular consequence: missense variant.
Genome position (GRCh38, 1-based): chr11:124,669,404, C>T on the plus strand (G>A on the coding strand, the complement: SIAE is on the minus strand). VCF-style: chr11-124669404-C-T. GRCh37 (hg19) VCF-style: chr11-124539300-C-T.
Other names: c.80G>A, p.Arg27His (NM_001199922.2); short protein forms R62H, R27H.
Identifiers: ClinVar variation 2983369 (VCV002983369.3), dbSNP rs377634657, ClinGen allele CA6341638.
Genomic context (GRCh38, chr11:124,669,404, plus strand): 5'-AGATGGGCTGCCTTACCTTTCACACTGGTCACTTTCTTCATGATGGTTTCCTGACCTTGG[C>T]GCAGGGTCACGGTCACTGTGGCTCCAGGTGTACCGAAGCCCCATATCACTGCCCCAGCAG-3'
Protein context (NP_733746.1, residues 52-72): TPGATVTVTL[Arg62His]QGQETIMKKV

ClinVar aggregate classification (germline): Uncertain significance (1 of 4 stars; one submission).

Allele frequency attached by ClinVar (database versions not stated): ExAC 0.00001; gnomAD 0.00001; gnomAD exomes 0.00002; TOPMed 0.00002; ESP Exome Variant Server 0.00008.

Submission:

Labcorp Genetics (formerly Invitae), Labcorp
Classification: Uncertain significance. Last evaluated: 2024-07-24. Review status: criteria provided, single submitter. Criteria: Invitae Variant Classification Sherloc (09022015). Collection method: clinical testing. Allele origin: germline.
Comment: This sequence change replaces arginine, which is basic and polar, with histidine, which is basic and polar, at codon 62 of the SIAE protein (p.Arg62His). This variant is present in population databases (rs377634657, gnomAD 0.01%). This variant has not been reported in the literature in individuals affected with SIAE-related conditions. An algorithm developed to predict the effect of missense changes on protein structure and function outputs the following: PolyPhen-2: "Benign". The histidine amino acid residue is found in multiple mammalian species, which suggests that this missense change does not adversely affect protein function. Experimental studies have shown that this missense change does not substantially affect SIAE function (PMID: 20555325). In summary, the available evidence is currently insufficient to determine the role of this variant in disease. Therefore, it has been classified as a Variant of Uncertain Significance.

Literature cited by the submitters: PubMed 20555325.